The following is an entry in ClinVar:

NM_005732.4(RAD50):c.1898G>C (p.Cys633Ser)

Gene: RAD50 (RAD50 double strand break repair protein; plus strand). Cytogenetic location: 5q31.1.
Variant type: single nucleotide variant.
Coding change: c.1898G>C on transcript NM_005732.4 (MANE Select); coding-DNA position 1898, G replaced by C.
Protein change: p.Cys633Ser; replaces cysteine 633 with serine.
Molecular consequence: missense variant.
Genome position (GRCh38, 1-based): chr5:132,594,973, G>C. VCF-style: chr5-132594973-G-C. GRCh37 (hg19) VCF-style: chr5-131930665-G-C.
Other names: short protein forms C633S.
Identifiers: ClinVar variation 4824491 (VCV004824491.1).

ClinVar aggregate classification (germline): Uncertain significance (1 of 4 stars; one submission).

Conditions:
Hereditary cancer-predisposing syndrome. Also called: Neoplastic Syndromes, Hereditary; Hereditary neoplastic syndrome; Tumor predisposition; Hereditary Cancer Syndrome. Identifiers: Orphanet 140162, MedGen C0027672, MeSH D009386, MONDO:0015356.

Submission:

Ambry Genetics
Classification: Uncertain significance for Hereditary cancer-predisposing syndrome. Last evaluated: 2026-01-15. Review status: criteria provided, single submitter. Criteria: Ambry Variant Classification Scheme 2023. Collection method: clinical testing. Allele origin: germline.
Comment: The p.C633S variant (also known as c.1898G>C), located in coding exon 12 of the RAD50 gene, results from a G to C substitution at nucleotide position 1898. The cysteine at codon 633 is replaced by serine, an amino acid with dissimilar properties. This amino acid position is conserved. In addition, the in silico prediction for this alteration is inconclusive. Based on the available evidence, the clinical significance of this variant remains unclear.